The following is an entry in ClinVar:

ClinVar aggregate classification (germline): Uncertain significance (1 of 4 stars; one submission).

gnomAD v4.1: 8 of 1,613,702 alleles (0.0005%); highest among the groups gnomAD compares: African/African-American, 0.0013%; no homozygotes.

Submission:

Labcorp Genetics (formerly Invitae), Labcorp
Classification: Uncertain significance. Last evaluated: 2024-10-29. Review status: criteria provided, single submitter. Criteria: Invitae Variant Classification Sherloc (09022015). Collection method: clinical testing. Allele origin: germline.
Comment: This sequence change replaces serine, which is neutral and polar, with glycine, which is neutral and non-polar, at codon 1309 of the AHDC1 protein (p.Ser1309Gly). This variant is present in population databases (no rsID available, gnomAD 0.007%). This variant has not been reported in the literature in individuals affected with AHDC1-related conditions. An algorithm developed to predict the effect of missense changes on protein structure and function (PolyPhen-2) suggests that this variant is likely to be tolerated. In summary, the available evidence is currently insufficient to determine the role of this variant in disease. Therefore, it has been classified as a Variant of Uncertain Significance.

NM_001371928.1(AHDC1):c.3925A>G (p.Ser1309Gly)

Gene: AHDC1 (AT-hook DNA binding motif containing 1; minus strand). Cytogenetic location: 1p36.11.
Variant type: single nucleotide variant.
Coding change: c.3925A>G on transcript NM_001371928.1 (MANE Select); coding-DNA position 3925, A replaced by G.
Protein change: p.Ser1309Gly; replaces serine 1309 with glycine.
Molecular consequence: missense variant.
Genome position (GRCh38, 1-based): chr1:27,548,191, T>C on the plus strand (A>G on the coding strand, the complement: AHDC1 is on the minus strand). VCF-style: chr1-27548191-T-C. GRCh37 (hg19) VCF-style: chr1-27874702-T-C.
Other names: c.3925A>G, p.Ser1309Gly (NM_001029882.3); short protein forms S1309G.
Identifiers: ClinVar variation 3616716 (VCV003616716.2).
Genomic context (GRCh38, chr1:27,548,191, plus strand): 5'-GTGAGGGCAGTGGTGACATGCTGCTGTCCCCGCTATAGTAGTCCAGGCCGAGGTCAGGAC[T>C]GTCCTGGAACAGTGGGTTGACTGGCTGTGGCTTGGGGATGAACTTGGCTTTGGCCGCTGC-3'
Protein context (NP_001358857.1, residues 1299-1319): PQPVNPLFQD[Ser1309Gly]PDLGLDYYSG